The following is an entry in ClinVar:

NM_000155.4(GALT):c.498T>C (p.Pro166=)

Gene: GALT (galactose-1-phosphate uridylyltransferase; plus strand). Cytogenetic location: 9p13.3.
Variant type: single nucleotide variant.
Coding change: c.498T>C on transcript NM_000155.4 (MANE Select); coding-DNA position 498, T replaced by C.
Protein change: p.Pro166=; no amino-acid change (proline 166 retained).
Molecular consequence: synonymous variant.
Genome position (GRCh38, 1-based): chr9:34,647,952, T>C. VCF-style: chr9-34647952-T-C. GRCh37 (hg19) VCF-style: chr9-34647949-T-C.
Other names: c.171T>C, p.Pro57= (NM_001258332.2).
Identifiers: ClinVar variation 36147 (VCV000036147.62), dbSNP rs193922249, ClinGen allele CA260404.

ClinVar aggregate classification (germline): Likely benign. Review status: criteria provided, multiple submitters, no conflicts (2 of 4 stars). 6 submissions from 6 submitters: Likely benign (5). 1 of the submissions does not count toward it. Last evaluated 2026-06-28.

Conditions:
GALT-related disorder. Also called: GALT-related condition.
Galactosemia. Also called: Galactose intolerance. Identifiers: Orphanet 352, MedGen C0016952, MONDO:0018116, HP:0004919. Disease mechanism: loss of function.
Deficiency of UDPglucose-hexose-1-phosphate uridylyltransferase. Also called: GALACTOSEMIA I; GALT deficiency; Galactosemia, classic; GALACTOSE-1-PHOSPHATE URIDYLYLTRANSFERASE DEFICIENCY; Transferase Deficiency Galactosemia. Identifiers: Orphanet 352, Orphanet 79239, MedGen C0268151, MONDO:0009258, OMIM 230400.

Allele frequency attached by ClinVar (database versions not stated): 1000 Genomes Project 30x 0.00016; TOPMed 0.00019; ESP Exome Variant Server 0.00023; gnomAD 0.00029; gnomAD exomes 0.00031 and 0.00051; ExAC 0.00057.

Submissions (6):

PreventionGenetics, part of Exact Sciences
Classification: Likely benign for GALT-related condition. Last evaluated: 2026-06-28. Review status: criteria provided, single submitter. Criteria: ACMG Guidelines, 2015. Collection method: clinical testing. Allele origin: germline.
Comment: This variant is classified as likely benign based on ACMG/AMP sequence variant interpretation guidelines (Richards et al. 2015 PMID: 25741868, with internal and published modifications).

Labcorp Genetics (formerly Invitae), Labcorp
Classification: Likely benign for Deficiency of UDPglucose-hexose-1-phosphate uridylyltransferase. Last evaluated: 2026-01-28. Review status: criteria provided, single submitter. Criteria: Invitae Variant Classification Sherloc (09022015). Collection method: clinical testing. Allele origin: germline.

Women's Health and Genetics/Laboratory Corporation of America, LabCorp
Classification: Likely benign. Last evaluated: 2021-07-16. Review status: criteria provided, single submitter. Criteria: LabCorp Variant Classification Summary - May 2015. Collection method: clinical testing. Allele origin: germline.

CeGaT Center for Human Genetics Tuebingen
Classification: Likely benign. Last evaluated: 2018-04-01. Review status: criteria provided, single submitter. Criteria: CeGaT Center For Human Genetics Tuebingen Variant Classification Criteria Version 2. Collection method: clinical testing. Allele origin: germline. Affected: yes. Observed: 1 variant allele.

ARUP Laboratories, Molecular Genetics and Genomics, ARUP Laboratories
Classification: Likely benign. Last evaluated: 2017-01-24. Review status: criteria provided, single submitter. Criteria: ARUP Molecular Germline Variant Investigation Process. Collection method: clinical testing. Allele origin: germline.

Natera, Inc.
Classification: Likely benign for Galactosemia. Last evaluated: 2018-03-27. Review status: no assertion criteria provided. Collection method: clinical testing. Allele origin: germline. Not counted in ClinVar's aggregate classification.